The following is an entry in ClinVar:

NM_003803.4(MYOM1):c.3721T>C (p.Phe1241Leu)

Gene: MYOM1 (myomesin 1; minus strand). Cytogenetic location: 18p11.31.
Variant type: single nucleotide variant.
Coding change: c.3721T>C on transcript NM_003803.4 (MANE Select); coding-DNA position 3721, T replaced by C.
Protein change: p.Phe1241Leu; replaces phenylalanine 1241 with leucine.
Molecular consequence: missense variant.
Genome position (GRCh38, 1-based): chr18:3,100,165, A>G on the plus strand (T>C on the coding strand, the complement: MYOM1 is on the minus strand). VCF-style: chr18-3100165-A-G. GRCh37 (hg19) VCF-style: chr18-3100163-A-G.
Other names: c.3433T>C, p.Phe1145Leu (NM_019856.2); short protein forms F1145L, F1241L.
Identifiers: ClinVar variation 3168157 (VCV003168157.2), dbSNP rs767793742, ClinGen allele CA8874192.
Genomic context (GRCh38, chr18:3,100,165, plus strand): 5'-AGTTGCTGCCTAGTAAGACTGCTAAAAACCTGTGAATGTATTGTGGATACTTACTTGGGA[A>G]CTTGTGTTCATGGCTGAGAGCAAGTAAACGTTTCAATTCTGTAGGGGGAAAAAGAAGGCA-3'
Protein context (NP_003794.3, residues 1231-1251): RLLALSHEHK[Phe1241Leu]PTVPVKSELA

ClinVar aggregate classification (germline): Uncertain significance (1 of 4 stars; one submission).

Allele frequency attached by ClinVar (database versions not stated): TOPMed below 0.00001; ExAC 0.00001; gnomAD 0.00001; gnomAD exomes 0.00001.

Submission:

Ambry Genetics
Classification: Uncertain significance. Last evaluated: 2025-09-17. Review status: criteria provided, single submitter. Criteria: Ambry Variant Classification Scheme 2023. Collection method: clinical testing. Allele origin: germline.
Comment: The p.F1241L variant (also known as c.3721T>C), located in coding exon 24 of the MYOM1 gene, results from a T to C substitution at nucleotide position 3721. The phenylalanine at codon 1241 is replaced by leucine, an amino acid with highly similar properties. This amino acid position is conserved. In addition, this alteration is predicted to be tolerated by in silico analysis. Based on the available evidence, the clinical significance of this variant remains unclear.